The following is an entry in ClinVar:

NM_001308093.3(GATA4):c.127C>T (p.Arg43Trp)

Gene: GATA4 (GATA binding protein 4). Cytogenetic location: 8p23.1.
Variant type: single nucleotide variant.
Coding change: c.127C>T on transcript NM_001308093.3 (MANE Select); coding-DNA position 127, C replaced by T.
Protein change: p.Arg43Trp; replaces arginine 43 with tryptophan.
Molecular consequence: missense variant. On other transcripts: intron variant (3).
Genome position (GRCh38, 1-based): chr8:11,708,439, C>T. VCF-style: chr8-11708439-C-T. GRCh37 (hg19) VCF-style: chr8-11565948-C-T.
Other names: c.127C>T, p.Arg43Trp (NM_002052.5); c.-6+7661C>T (NM_001308094.2); c.-3+425C>T (NM_001374274.1); c.-3+4135C>T (NM_001374273.1); short protein forms R43W.
Identifiers: ClinVar variation 30107 (VCV000030107.5), dbSNP rs387906770, ClinGen allele CA212674.
Genomic context (GRCh38, chr8:11,708,439, plus strand): 5'-CCCGGCGCCTTCATGCACGGCGCGGGCGCCGCGTCCTCGCCAGTCTACGTGCCCACACCG[C>T]GGGTGCCCTCCTCCGTGCTGGGCCTGTCCTACCTCCAGGGCGGAGGCGCGGGCTCTGCGT-3'
Protein context (NP_001295022.1, residues 33-53): ASSPVYVPTP[Arg43Trp]VPSSVLGLSY

ClinVar aggregate classification (germline): Uncertain significance. Review status: criteria provided, single submitter (1 of 4 stars). 2 submissions from 2 submitters: Uncertain significance (1). 1 of the submissions does not count toward it. Last evaluated 2017-02-14.

Conditions:
Cardiovascular phenotype. Identifiers: MedGen CN230736.
Ventricular septal defect 1 (VSD1). Identifiers: MedGen C3280777, MONDO:0013746, OMIM 614429.

Submissions (2):

Ambry Genetics
Classification: Uncertain significance for Cardiovascular phenotype. Last evaluated: 2017-02-14. Review status: criteria provided, single submitter. Criteria: Ambry Variant Classification Scheme 2023. Collection method: clinical testing. Allele origin: germline.
Comment: The p.R43W variant (also known as c.127C>T), located in coding exon 1 of the GATA4 gene, results from a C to T substitution at nucleotide position 127. The arginine at codon 43 is replaced by tryptophan, an amino acid with dissimilar properties. In one family, this alteration was reported to segregate with ventricular septal defects in at least seven members of one family, although other genetic etiologies were not ruled out (Yang YQ et al. Pediatr Cardiol, 2012 Apr;33:539-46). Functional studies performed in vitro showed that R43W impaired transcriptional activity of GATA4. The clinical impact of this reduced transcriptional activity is unclear, however (Yang YQ et al. Pediatr Cardiol, 2012 Apr;33:539-46). This amino acid position is highly conserved in available vertebrate species. In addition, this alteration is predicted to be deleterious by in silico analysis. Since supporting evidence is limited at this time, the clinical significance of this alteration remains unclear.

OMIM
Classification: Pathogenic for VENTRICULAR SEPTAL DEFECT 1. Last evaluated: 2012-04-01. Review status: no assertion criteria provided. Collection method: literature only. Allele origin: germline. Not counted in ClinVar's aggregate classification.

Literature cited by the submitters: PubMed 22101736 (cited by Ambry Genetics and OMIM).